The following is an entry in ClinVar:

ClinVar aggregate classification (germline): Uncertain significance (1 of 4 stars; one submission).

Conditions:
Congenital myasthenic syndrome 12 (CMS12). Also called: MYASTHENIC SYNDROME, CONGENITAL, WITH TUBULAR AGGREGATES 1; Myasthenia, congenital, 12, with tubular aggregates. Identifiers: Orphanet 353327, Orphanet 590, MedGen C3552335, MONDO:0012518, OMIM 610542.

Submission:

Labcorp Genetics (formerly Invitae), Labcorp
Classification: Uncertain significance for Congenital myasthenic syndrome 12. Last evaluated: 2022-09-07. Review status: criteria provided, single submitter. Criteria: Invitae Variant Classification Sherloc (09022015). Collection method: clinical testing. Allele origin: germline.
Comment: In summary, the available evidence is currently insufficient to determine the role of this variant in disease. Therefore, it has been classified as a Variant of Uncertain Significance. Algorithms developed to predict the effect of missense changes on protein structure and function are either unavailable or do not agree on the potential impact of this missense change (SIFT: "Deleterious"; PolyPhen-2: "Benign"; Align-GVGD: "Class C0"). ClinVar contains an entry for this variant (Variation ID: 473128). This variant has not been reported in the literature in individuals affected with GFPT1-related conditions. This variant is not present in population databases (gnomAD no frequency). This sequence change replaces aspartic acid, which is acidic and polar, with asparagine, which is neutral and polar, at codon 494 of the GFPT1 protein (p.Asp494Asn).

NM_001244710.2(GFPT1):c.1534G>A (p.Asp512Asn)

Gene: GFPT1 (glutamine--fructose-6-phosphate transaminase 1; minus strand). Cytogenetic location: 2p13.3.
Variant type: single nucleotide variant.
Coding change: c.1534G>A on transcript NM_001244710.2 (MANE Select); coding-DNA position 1534, G replaced by A.
Protein change: p.Asp512Asn; replaces aspartic acid 512 with asparagine.
Molecular consequence: missense variant.
Genome position (GRCh38, 1-based): chr2:69,329,747, C>T on the plus strand (G>A on the coding strand, the complement: GFPT1 is on the minus strand). VCF-style: chr2-69329747-C-T. GRCh37 (hg19) VCF-style: chr2-69556879-C-T.
Other names: c.1480G>A, p.Asp494Asn (NM_002056.4); short protein forms D494N, D512N.
Identifiers: ClinVar variation 473128 (VCV000473128.8), dbSNP rs1553386276, ClinGen allele CA347422923.
Genomic context (GRCh38, chr2:69,329,747, plus strand): 5'-GCAGCCGTTTCAATCCAAGCATGATCTCTTTGCGTCTTTCTTGCATGGAGATCCGATCAT[C>T]ACACATCATAAGGGCAAACATCACAAGGGATACAAACTGGCTGGTATAAGCCTGAAACAT-3'
Protein context (NP_001231639.1, residues 502-522): SLVMFALMMC[Asp512Asn]DRISMQERRK